The following is an entry in ClinVar:

NM_001136018.4(EPHX1):c.212G>A (p.Arg71His)

Gene: EPHX1 (epoxide hydrolase 1; plus strand). Cytogenetic location: 1q42.12.
Variant type: single nucleotide variant.
Coding change: c.212G>A on transcript NM_001136018.4 (MANE Select); coding-DNA position 212, G replaced by A.
Protein change: p.Arg71His; replaces arginine 71 with histidine.
Molecular consequence: missense variant. On other transcripts: non-coding transcript variant (4).
Genome position (GRCh38, 1-based): chr1:225,831,807, G>A. VCF-style: chr1-225831807-G-A. GRCh37 (hg19) VCF-style: chr1-226019508-G-A.
Other names: c.212G>A, p.Arg71His (NM_000120.4, NM_001291163.2, NM_001378426.1 and 5 more transcripts); c.185G>A, p.Arg62His (NM_001378428.1); short protein forms R71H, R62H.
Identifiers: ClinVar variation 709591 (VCV000709591.5), dbSNP rs58623835, ClinGen allele CA1418335.

ClinVar aggregate classification (germline): Benign. Review status: criteria provided, multiple submitters, no conflicts (2 of 4 stars). 3 submissions from 3 submitters: Benign (3). Last evaluated 2025-12-18.

Conditions:
EPHX1-related disorder. Also called: EPHX1-related condition.

Allele frequency attached by ClinVar (database versions not stated): gnomAD exomes 0.00059 and 0.00143; ExAC 0.00170; 1000 Genomes Project 0.00519; gnomAD 0.00545 and 0.00586; 1000 Genomes Project 30x 0.00593; TOPMed 0.00613; ESP Exome Variant Server 0.00646.
gnomAD v4.1: 1,707 of 1,614,078 alleles (0.11%); highest among the groups gnomAD compares: African/African-American, 2%; 21 homozygotes.

Submissions (3):

PreventionGenetics, part of Exact Sciences
Classification: Benign for EPHX1-related condition. Last evaluated: 2025-12-18. Review status: criteria provided, single submitter. Criteria: ACMG Guidelines, 2015. Collection method: clinical testing. Allele origin: germline.
Comment: This variant is classified as benign based on ACMG/AMP sequence variant interpretation guidelines (Richards et al. 2015 PMID: 25741868, with internal and published modifications).

Labcorp Genetics (formerly Invitae), Labcorp
Classification: Benign. Last evaluated: 2018-07-10. Review status: criteria provided, single submitter. Criteria: Invitae Variant Classification Sherloc (09022015). Collection method: clinical testing. Allele origin: germline.

Breakthrough Genomics
Classification: Benign. Review status: criteria provided, single submitter. Criteria: ACMG Guidelines, 2015. Collection method: not provided. Allele origin: germline. Inheritance: Unknown mechanism. Affected: yes.